The following is an entry in ClinVar:

NM_001197104.2(KMT2A):c.7169A>C (p.Gln2390Pro)

Gene: KMT2A (lysine methyltransferase 2A; plus strand). Cytogenetic location: 11q23.3.
Variant type: single nucleotide variant.
Coding change: c.7169A>C on transcript NM_001197104.2 (MANE Select); coding-DNA position 7169, A replaced by C.
Protein change: p.Gln2390Pro; replaces glutamine 2390 with proline.
Molecular consequence: missense variant.
Genome position (GRCh38, 1-based): chr11:118,503,061, A>C. VCF-style: chr11-118503061-A-C. GRCh37 (hg19) VCF-style: chr11-118373776-A-C.
Other names: c.7259A>C, p.Gln2420Pro (NM_001412597.1); c.7160A>C, p.Gln2387Pro (NM_005933.4); short protein forms Q2390P, Q2387P, Q2420P.
Identifiers: ClinVar variation 2829344 (VCV002829344.3), dbSNP rs9332839, ClinGen allele CA382804562.

ClinVar aggregate classification (germline): Uncertain significance (1 of 4 stars; one submission).

Submission:

Labcorp Genetics (formerly Invitae), Labcorp
Classification: Uncertain significance. Last evaluated: 2023-01-26. Review status: criteria provided, single submitter. Criteria: Invitae Variant Classification Sherloc (09022015). Collection method: clinical testing. Allele origin: germline.
Comment: In summary, the available evidence is currently insufficient to determine the role of this variant in disease. Therefore, it has been classified as a Variant of Uncertain Significance. Advanced modeling of protein sequence and biophysical properties (such as structural, functional, and spatial information, amino acid conservation, physicochemical variation, residue mobility, and thermodynamic stability) performed at Invitae indicates that this missense variant is not expected to disrupt KMT2A protein function. This variant has not been reported in the literature in individuals affected with KMT2A-related conditions. This variant is not present in population databases (gnomAD no frequency). This sequence change replaces glutamine, which is neutral and polar, with proline, which is neutral and non-polar, at codon 2390 of the KMT2A protein (p.Gln2390Pro).